The following is an entry in ClinVar:

ClinVar aggregate classification (germline): Uncertain significance (1 of 4 stars; one submission).

Conditions:
Familial thoracic aortic aneurysm and aortic dissection (TAAD). Also called: Thoracic aortic aneurysms and dissections. Identifiers: Orphanet 91387, MedGen C4707243, MONDO:0019625.

Submission:

All of Us Research Program, National Institutes of Health
Classification: Uncertain significance for Familial thoracic aortic aneurysm and aortic dissection. Last evaluated: 2023-07-10. Review status: criteria provided, single submitter. Criteria: ACMG Guidelines, 2015. Collection method: clinical testing. Allele origin: germline. Inheritance: Autosomal dominant inheritance. Observed: 1 variant allele, 1 heterozygote.
Comment: This missense variant replaces valine with alanine at codon 372 of the ACTA2 protein. Computational prediction suggests that this variant may have deleterious impact on protein structure and function (internally defined REVEL score threshold >= 0.7, PMID: 27666373). To our knowledge, functional studies have not been reported for this variant. This variant has not been reported in individuals affected with cardiovascular disorders in the literature. This variant has not been identified in the general population by the Genome Aggregation Database (gnomAD). The available evidence is insufficient to determine the role of this variant in disease conclusively. Therefore, this variant is classified as a Variant of Uncertain Significance.

This study involves interpretation of variants in research participants for the purpose of population health screening. Participant phenotype was not available at the time of variant classification. Additional details can be found in publication PMID: 35346344, PMCID: PMC8962531

NM_001613.4(ACTA2):c.1115T>C (p.Val372Ala)

Genes: ACTA2 (actin alpha 2, smooth muscle; minus strand), ACTA2-AS1 (ACTA2 antisense RNA 1; plus strand). Cytogenetic location: 10q23.31.
Variant type: single nucleotide variant.
Coding change: c.1115T>C on transcript NM_001613.4 (MANE Select); coding-DNA position 1115, T replaced by C.
Protein change: p.Val372Ala; replaces valine 372 with alanine.
Molecular consequence: missense variant. On other transcripts: non-coding transcript variant (1).
Genome position (GRCh38, 1-based): chr10:88,935,242, A>G on the plus strand (T>C on the coding strand, the complement: ACTA2 is on the minus strand). VCF-style: chr10-88935242-A-G. GRCh37 (hg19) VCF-style: chr10-90694999-A-G.
Other names: c.1115T>C, p.Val372Ala (NM_001141945.3, NM_001320855.2, NM_001406462.1 and 2 more transcripts); c.1004T>C, p.Val335Ala (NM_001406466.1); c.986T>C, p.Val329Ala (NM_001406467.1, NM_001406468.1, NM_001406469.1); c.923T>C, p.Val308Ala (NM_001406471.1); short protein forms V308A, V329A, V335A, V372A.
Identifiers: ClinVar variation 3075533 (VCV003075533.1), dbSNP rs2494501432, ClinGen allele CA377510358.
Genomic context (GRCh38, chr10:88,935,242, plus strand): 5'-CACAGTTGTGTGCTAGAGACAGAGAGGAGCAGGAAAGTGTTTTAGAAGCATTTGCGGTGG[A>G]CAATGGAAGGCCCGGCTTCATCGTATTCCTGTTTGCTGATCCACATCTGCTGGAAGGTGG-3'
Protein context (NP_001604.1, residues 362-377): QEYDEAGPSI[Val372Ala]HRKCF